The following is an entry in ClinVar:

ClinVar aggregate classification (germline): Uncertain significance. Review status: criteria provided, multiple submitters, no conflicts (2 of 4 stars). 2 submissions from 2 submitters: Uncertain significance (2). Last evaluated 2024-07-03.

Conditions:
Ataxia-telangiectasia syndrome (AT). Also called: Ataxia-telangiectasia, complementation group D; AT, COMPLEMENTATION GROUP C; ATAXIA-TELANGIECTASIA, COMPLEMENTATION GROUP A; ATAXIA-TELANGIECTASIA, FRESNO VARIANT; Ataxia-telangiectasia; LOUIS-BAR SYNDROME. Identifiers: Orphanet 100, MedGen C0004135, MONDO:0008840, OMIM 208900.
Hereditary cancer-predisposing syndrome. Also called: Neoplastic Syndromes, Hereditary; Tumor predisposition; Hereditary neoplastic syndrome; Hereditary Cancer Syndrome. Identifiers: Orphanet 140162, MedGen C0027672, MeSH D009386, MONDO:0015356.

Allele frequency attached by ClinVar (database versions not stated): gnomAD exomes below 0.00001.
gnomAD v4.1: 1 of 1,613,750 alleles (0.000062%); highest among the groups gnomAD compares: Non-Finnish European, 0.000085%; no homozygotes.

Submissions (2):

Labcorp Genetics (formerly Invitae), Labcorp
Classification: Uncertain significance for Ataxia-telangiectasia syndrome. Last evaluated: 2024-07-03. Review status: criteria provided, single submitter. Criteria: Invitae Variant Classification Sherloc (09022015). Collection method: clinical testing. Allele origin: germline.
Comment: This sequence change replaces glutamic acid, which is acidic and polar, with lysine, which is basic and polar, at codon 887 of the ATM protein (p.Glu887Lys). RNA analysis indicates that this missense change induces altered splicing and may result in an absent or altered protein product. This variant is not present in population databases (gnomAD no frequency). This variant has not been reported in the literature in individuals affected with ATM-related conditions. ClinVar contains an entry for this variant (Variation ID: 1794416). An algorithm developed to predict the effect of missense changes on protein structure and function (PolyPhen-2) suggests that this variant is likely to be disruptive. Studies have shown that this missense change results in skipping of exon 18 and activation of a cryptic splice site, and produces a non-functional protein and/or introduces a premature termination codon (Invitae). In summary, the available evidence is currently insufficient to determine the role of this variant in disease. Therefore, it has been classified as a Variant of Uncertain Significance.

Ambry Genetics
Classification: Uncertain significance for Hereditary cancer-predisposing syndrome. Last evaluated: 2023-03-17. Review status: criteria provided, single submitter. Criteria: Ambry Variant Classification Scheme 2023. Collection method: clinical testing. Allele origin: germline.
Comment: The p.E887K variant (also known as c.2659G>A), located in coding exon 17 of the ATM gene, results from a G to A substitution at nucleotide position 2659. The glutamic acid at codon 887 is replaced by lysine, an amino acid with similar properties. This amino acid position is not well conserved in available vertebrate species. In addition, the in silico prediction for this alteration is inconclusive. Since supporting evidence is limited at this time, the clinical significance of this alteration remains unclear.

NM_000051.4(ATM):c.2659G>A (p.Glu887Lys)

Gene: ATM (ATM serine/threonine kinase; plus strand). Cytogenetic location: 11q22.3.
Variant type: single nucleotide variant.
Coding change: c.2659G>A on transcript NM_000051.4 (MANE Select); coding-DNA position 2659, G replaced by A.
Protein change: p.Glu887Lys; replaces glutamic acid 887 with lysine.
Molecular consequence: missense variant.
Genome position (GRCh38, 1-based): chr11:108,268,430, G>A. VCF-style: chr11-108268430-G-A. GRCh37 (hg19) VCF-style: chr11-108139157-G-A.
Other names: c.2659G>A, p.Glu887Lys (NM_001351834.2); short protein forms E887K.
Identifiers: ClinVar variation 1794416 (VCV001794416.5), dbSNP rs2135523307, ClinGen allele CA382545052.